The following is an entry in ClinVar:

ClinVar aggregate classification (germline): Uncertain significance (1 of 4 stars; one submission).

Conditions:
Jeune thoracic dystrophy. Also called: Jeune syndrome; Infantile thoracic dystrophy; Thoracic pelvic phalangeal dystrophy; Jeune's syndrome; Chondroectodermal dysplasia-like syndrome; Short-rib thoracic dysplasia. Identifiers: Orphanet 474, MedGen C0265275, MONDO:0018770.
Nephronophthisis. Also called: Juvenile Nephronophthisis. Identifiers: Orphanet 655, MedGen C0687120, MONDO:0019005, HP:0000090.

Allele frequency attached by ClinVar (database versions not stated): gnomAD exomes below 0.00001.

Submission:

Labcorp Genetics (formerly Invitae), Labcorp
Classification: Uncertain significance for Jeune thoracic dystrophy; Nephronophthisis. Last evaluated: 2025-08-11. Review status: criteria provided, single submitter. Criteria: Invitae Variant Classification Sherloc (09022015). Collection method: clinical testing. Allele origin: germline.
Comment: This sequence change replaces serine, which is neutral and polar, with asparagine, which is neutral and polar, at codon 141 of the TTC21B protein (p.Ser141Asn). This variant is not present in population databases (gnomAD no frequency). This variant has not been reported in the literature in individuals affected with TTC21B-related conditions. ClinVar contains an entry for this variant (Variation ID: 2145085). Invitae Evidence Modeling of protein sequence and biophysical properties (such as structural, functional, and spatial information, amino acid conservation, physicochemical variation, residue mobility, and thermodynamic stability) indicates that this missense variant is not expected to disrupt TTC21B protein function with a negative predictive value of 95%. In summary, the available evidence is currently insufficient to determine the role of this variant in disease. Therefore, it has been classified as a Variant of Uncertain Significance.

NM_024753.5(TTC21B):c.422G>A (p.Ser141Asn)

Genes: TTC21B-AS1 (TTC21B antisense RNA 1; plus strand), TTC21B (tetratricopeptide repeat domain 21B; minus strand). Cytogenetic location: 2q24.3.
Variant type: single nucleotide variant.
Coding change: c.422G>A on transcript NM_024753.5 (MANE Select); coding-DNA position 422, G replaced by A.
Protein change: p.Ser141Asn; replaces serine 141 with asparagine.
Molecular consequence: missense variant.
Genome position (GRCh38, 1-based): chr2:165,945,531, C>T on the plus strand (G>A on the coding strand, the complement: TTC21B is on the minus strand). VCF-style: chr2-165945531-C-T. GRCh37 (hg19) VCF-style: chr2-166802041-C-T.
Other names: short protein forms S141N.
Identifiers: ClinVar variation 2145085 (VCV002145085.4), dbSNP rs866318336, ClinGen allele CA59766817.